The following is an entry in ClinVar:

NM_001199267.2(DGKZ):c.162-667A>G

Gene: DGKZ (diacylglycerol kinase zeta; plus strand). Cytogenetic location: 11p11.2.
Variant type: single nucleotide variant.
Coding change: c.162-667A>G on transcript NM_001199267.2 (MANE Select); 667 bases into the intron before coding-DNA position 162, A replaced by G.
Molecular consequence: intron variant. On other transcripts: missense variant (1).
Genome position (GRCh38, 1-based): chr11:46,366,624, A>G. VCF-style: chr11-46366624-A-G. GRCh37 (hg19) VCF-style: chr11-46388174-A-G.
Other names: c.368A>G, p.Gln123Arg (NM_001105540.2); c.213-667A>G (NM_201532.3); c.162-667A>G (NM_001199268.2, NM_001199266.2, NM_003646.4); c.177-667A>G (NM_201533.3); c.368A>G (NM_001105540.1); short protein forms Q123R.
Identifiers: ClinVar variation 2958225 (VCV002958225.4), dbSNP rs745310499, ClinGen allele CA5962143.

ClinVar aggregate classification (germline): Uncertain significance. Review status: criteria provided, multiple submitters, no conflicts (2 of 4 stars). 2 submissions from 2 submitters: Uncertain significance (2). Last evaluated 2025-06-26.

Allele frequency attached by ClinVar (database versions not stated): gnomAD 0.00001; gnomAD exomes 0.00001; TOPMed 0.00002; ExAC 0.00008.
gnomAD v4.1: 21 of 1,607,080 alleles (0.0013%); highest among the groups gnomAD compares: Non-Finnish European, 0.0017%; no homozygotes.

Submissions (2):

Ambry Genetics
Classification: Uncertain significance. Last evaluated: 2025-06-26. Review status: criteria provided, single submitter. Criteria: Ambry Variant Classification Scheme 2023. Collection method: clinical testing. Allele origin: germline.

Labcorp Genetics (formerly Invitae), Labcorp
Classification: Uncertain significance. Last evaluated: 2024-07-17. Review status: criteria provided, single submitter. Criteria: Invitae Variant Classification Sherloc (09022015). Collection method: clinical testing. Allele origin: germline.
Comment: This sequence change replaces glutamine, which is neutral and polar, with arginine, which is basic and polar, at codon 123 of the DGKZ protein (p.Gln123Arg). This variant is present in population databases (rs745310499, gnomAD 0.007%). This variant has not been reported in the literature in individuals affected with DGKZ-related conditions. An algorithm developed to predict the effect of missense changes on protein structure and function (PolyPhen-2) suggests that this variant is likely to be tolerated. In summary, the available evidence is currently insufficient to determine the role of this variant in disease. Therefore, it has been classified as a Variant of Uncertain Significance.